The following is an entry in ClinVar:

ClinVar aggregate classification (germline): Uncertain significance (1 of 4 stars; one submission).

Submission:

Labcorp Genetics (formerly Invitae), Labcorp
Classification: Uncertain significance. Last evaluated: 2021-04-10. Review status: criteria provided, single submitter. Criteria: Invitae Variant Classification Sherloc (09022015). Collection method: clinical testing. Allele origin: germline.
Comment: In summary, the available evidence is currently insufficient to determine the role of this variant in disease. Therefore, it has been classified as a Variant of Uncertain Significance. Algorithms developed to predict the effect of missense changes on protein structure and function output the following: SIFT: "Tolerated"; PolyPhen-2: "Not Available"; Align-GVGD: "Class C0". The valine amino acid residue is found in multiple mammalian species, suggesting that this missense change does not adversely affect protein function. These predictions have not been confirmed by published functional studies and their clinical significance is uncertain. This variant has not been reported in the literature in individuals with PCLO-related conditions. This variant is not present in population databases (ExAC no frequency). This sequence change replaces alanine with valine at codon 1043 of the PCLO protein (p.Ala1043Val). The alanine residue is weakly conserved and there is a small physicochemical difference between alanine and valine.

NM_033026.6(PCLO):c.3128C>T (p.Ala1043Val)

Gene: PCLO (piccolo presynaptic cytomatrix protein; minus strand). Cytogenetic location: 7q21.11.
Variant type: single nucleotide variant.
Coding change: c.3128C>T on transcript NM_033026.6 (MANE Select); coding-DNA position 3128, C replaced by T.
Protein change: p.Ala1043Val; replaces alanine 1043 with valine.
Molecular consequence: missense variant.
Genome position (GRCh38, 1-based): chr7:83,134,422, G>A on the plus strand (C>T on the coding strand, the complement: PCLO is on the minus strand). VCF-style: chr7-83134422-G-A. GRCh37 (hg19) VCF-style: chr7-82763738-G-A.
Other names: c.3128C>T, p.Ala1043Val (NM_014510.3); short protein forms A1043V.
Identifiers: ClinVar variation 1524816 (VCV001524816.8), dbSNP rs2116613867, ClinGen allele CA367897374.